The following is an entry in ClinVar:

NM_003002.4(SDHD):c.347A>T (p.His116Leu)

Gene: SDHD (succinate dehydrogenase complex subunit D; plus strand). Cytogenetic location: 11q23.1.
Variant type: single nucleotide variant.
Coding change: c.347A>T on transcript NM_003002.4 (MANE Select); coding-DNA position 347, A replaced by T.
Protein change: p.His116Leu; replaces histidine 116 with leucine.
Molecular consequence: missense variant. On other transcripts: 3 prime UTR variant (1), non-coding transcript variant (1).
Genome position (GRCh38, 1-based): chr11:112,094,837, A>T. VCF-style: chr11-112094837-A-T. GRCh37 (hg19) VCF-style: chr11-111965561-A-T.
Other names: c.202A>T, p.Met68Leu (NM_001276503.2); c.230A>T, p.His77Leu (NM_001276504.2); c.*45A>T (NM_001276506.2); short protein forms M68L, H116L, H77L.
Identifiers: ClinVar variation 1421519 (VCV001421519.8), dbSNP rs2135277447, ClinGen allele CA382618883.

ClinVar aggregate classification (germline): Uncertain significance (1 of 4 stars; one submission).

Conditions:
Paragangliomas with sensorineural hearing loss. Identifiers: MedGen C1868633.
Carney-Stratakis syndrome. Also called: PARAGANGLIOMA AND GASTROINTESTINAL STROMAL TUMOR. Identifiers: Orphanet 97286, MedGen C1847319, MONDO:0011740, OMIM 606864.
Pheochromocytoma. Also called: MAX-Related Hereditary Paraganglioma-Pheochromocytoma Syndrome. Identifiers: Orphanet 29072, MedGen C0031511, MONDO:0008233, OMIM 171300, HP:0002666.
Cowden syndrome 3 (CWS3). Identifiers: Orphanet 201, MedGen CN166604, MONDO:0014045.

Submission:

Labcorp Genetics (formerly Invitae), Labcorp
Classification: Uncertain significance for Carney-Stratakis syndrome; Paragangliomas with sensorineural hearing loss; Pheochromocytoma; Cowden syndrome 3. Last evaluated: 2025-01-02. Review status: criteria provided, single submitter. Criteria: Invitae Variant Classification Sherloc (09022015). Collection method: clinical testing. Allele origin: germline.
Comment: This sequence change replaces histidine, which is basic and polar, with leucine, which is neutral and non-polar, at codon 116 of the SDHD protein (p.His116Leu). This variant is not present in population databases (gnomAD no frequency). This variant has not been reported in the literature in individuals affected with SDHD-related conditions. ClinVar contains an entry for this variant (Variation ID: 1421519). Invitae Evidence Modeling of protein sequence and biophysical properties (such as structural, functional, and spatial information, amino acid conservation, physicochemical variation, residue mobility, and thermodynamic stability) indicates that this missense variant is expected to disrupt SDHD protein function with a positive predictive value of 95%. In summary, the available evidence is currently insufficient to determine the role of this variant in disease. Therefore, it has been classified as a Variant of Uncertain Significance.